The following is an entry in ClinVar:

NM_001242896.3(DEPDC5):c.2663A>T (p.Tyr888Phe)

Gene: DEPDC5 (DEP domain containing 5, GATOR1 subcomplex subunit; plus strand). Cytogenetic location: 22q12.3.
Variant type: single nucleotide variant.
Coding change: c.2663A>T on transcript NM_001242896.3 (MANE Select); coding-DNA position 2663, A replaced by T.
Protein change: p.Tyr888Phe; replaces tyrosine 888 with phenylalanine.
Molecular consequence: missense variant. On other transcripts: non-coding transcript variant (5).
Genome position (GRCh38, 1-based): chr22:31,843,674, A>T. VCF-style: chr22-31843674-A-T. GRCh37 (hg19) VCF-style: chr22-32239660-A-T.
Other names: c.2636A>T, p.Tyr879Phe (NM_001136029.4, NM_001369903.1, NM_014662.6); c.2429A>T, p.Tyr810Phe (NM_001242897.2, NM_001363854.2, NM_001364319.2); c.2663A>T, p.Tyr888Phe (NM_001363852.2, NM_001364318.2, NM_001364320.2); c.2579A>T, p.Tyr860Phe (NM_001369901.1, NM_001369902.1); short protein forms Y879F, Y888F, Y860F, Y810F.
Identifiers: ClinVar variation 2705059 (VCV002705059.3), dbSNP rs903423966, ClinGen allele CA323342492.

ClinVar aggregate classification (germline): Uncertain significance (1 of 4 stars; one submission).

Conditions:
Familial focal epilepsy with variable foci (FPEVF). Identifiers: Orphanet 98820, MedGen C1858477, MONDO:0020310.

Allele frequency attached by ClinVar (database versions not stated): TOPMed below 0.00001; gnomAD 0.00001.
gnomAD v4.1: 1 of 1,610,468 alleles (0.000062%); highest among the groups gnomAD compares: Non-Finnish European, 0.000085%; no homozygotes.

Submission:

Labcorp Genetics (formerly Invitae), Labcorp
Classification: Uncertain significance for Familial focal epilepsy with variable foci. Last evaluated: 2023-12-23. Review status: criteria provided, single submitter. Criteria: Invitae Variant Classification Sherloc (09022015). Collection method: clinical testing. Allele origin: germline.
Comment: This sequence change replaces tyrosine, which is neutral and polar, with phenylalanine, which is neutral and non-polar, at codon 888 of the DEPDC5 protein (p.Tyr888Phe). This variant is not present in population databases (gnomAD no frequency). This variant has not been reported in the literature in individuals affected with DEPDC5-related conditions. Experimental studies and prediction algorithms are not available or were not evaluated, and the functional significance of this variant is currently unknown. In summary, the available evidence is currently insufficient to determine the role of this variant in disease. Therefore, it has been classified as a Variant of Uncertain Significance.